The following is an entry in ClinVar:

ClinVar aggregate classification (germline): Likely pathogenic (1 of 4 stars; one submission).

Conditions:
Ataxia-telangiectasia syndrome (AT). Also called: ATAXIA-TELANGIECTASIA, COMPLEMENTATION GROUP A; ATAXIA-TELANGIECTASIA, FRESNO VARIANT; Ataxia-telangiectasia; Ataxia-telangiectasia, complementation group D; AT, COMPLEMENTATION GROUP C; Ataxia-telangiectasia, complementation group E. Identifiers: Orphanet 100, MedGen C0004135, MONDO:0008840, OMIM 208900.

Submission:

Labcorp Genetics (formerly Invitae), Labcorp
Classification: Likely pathogenic for Ataxia-telangiectasia syndrome. Last evaluated: 2019-12-16. Review status: criteria provided, single submitter. Criteria: Invitae Variant Classification Sherloc (09022015). Collection method: clinical testing. Allele origin: germline.
Comment: In summary, the currently available evidence indicates that the variant is pathogenic, but additional data are needed to prove that conclusively. Therefore, this variant has been classified as Likely Pathogenic. Donor and acceptor splice site variants typically lead to a loss of protein function (PMID: 16199547), and loss-of-function variants in ATM are known to be pathogenic (PMID: 23807571, 25614872). Algorithms developed to predict the effect of sequence changes on RNA splicing suggest that this variant may disrupt the consensus splice site, but this prediction has not been confirmed by published transcriptional studies. This variant has not been reported in the literature in individuals with ATM-related conditions. This variant is not present in population databases (ExAC no frequency). This sequence change affects a donor splice site in intron 61 of the ATM gene. It is expected to disrupt RNA splicing and likely results in an absent or disrupted protein product.

Literature cited by the submitters: PubMed 16199547; PubMed 23807571; PubMed 25614872.

NM_000051.4(ATM):c.8850+2T>G

Genes: ATM (ATM serine/threonine kinase; plus strand), C11orf65 (chromosome 11 open reading frame 65; minus strand). Cytogenetic location: 11q22.3.
Variant type: single nucleotide variant.
Coding change: c.8850+2T>G on transcript NM_000051.4 (MANE Select); the canonical splice donor site of the intron after coding-DNA position 8850, T replaced by G.
Molecular consequence: splice donor variant. On other transcripts: intron variant (2).
Genome position (GRCh38, 1-based): chr11:108,354,876, T>G. VCF-style: chr11-108354876-T-G. GRCh37 (hg19) VCF-style: chr11-108225603-T-G.
Other names: c.8850+2T>G (NM_001351834.2); c.640+31044A>C (NM_001330368.2); c.695-19584A>C (NM_001351110.2).
Identifiers: ClinVar variation 856879 (VCV000856879.46), dbSNP rs1555143623, ClinGen allele CA382526149.
Genomic context (GRCh38, chr11:108,354,876, plus strand): 5'-GTGAGAAAACCATGGAAGTGATGAGAAACTCTCAGGAAACTCTGTTAACCATTGTAGAGG[T>G]AAAGTATTTTATAAGGAAGACTTTATTTTTTTTCTTACCAGGTAGACTGTGTATCTCATC-3'